The following is an entry in ClinVar:

ClinVar aggregate classification (germline): Benign (1 of 4 stars; one submission).

gnomAD v4.1: 20,642 of 1,613,410 alleles (1.3%); highest among the groups gnomAD compares: Non-Finnish European, 1.5%; 168 homozygotes.

Submission:

CeGaT Center for Human Genetics Tuebingen
Classification: Benign. Last evaluated: 2025-02-01. Review status: criteria provided, single submitter. Criteria: CeGaT Center For Human Genetics Tuebingen Variant Classification Criteria Version 2. Collection method: clinical testing. Allele origin: germline. Affected: yes. Observed: 1 variant allele.
Comment: TFEC: BP4, BP7, BS1, BS2

NM_012252.4(TFEC):c.756C>T (p.Ser252=)

Gene: TFEC (transcription factor EC; minus strand). Cytogenetic location: 7q31.2.
Variant type: single nucleotide variant.
Coding change: c.756C>T on transcript NM_012252.4 (MANE Select); coding-DNA position 756, C replaced by T.
Protein change: p.Ser252=; no amino-acid change (serine 252 retained).
Molecular consequence: synonymous variant.
Genome position (GRCh38, 1-based): chr7:115,940,839, G>A on the plus strand (C>T on the coding strand, the complement: TFEC is on the minus strand). VCF-style: chr7-115940839-G-A. GRCh37 (hg19) VCF-style: chr7-115580893-G-A.
Other names: c.669C>T, p.Ser223= (NM_001018058.3); c.555C>T, p.Ser185= (NM_001244583.2).
Identifiers: ClinVar variation 3770438 (VCV003770438.13).